The following is an entry in ClinVar:

NM_003036.4(SKI):c.1967C>T (p.Ala656Val)

Gene: SKI (SKI proto-oncogene; plus strand). Cytogenetic location: 1p36.32.
Variant type: single nucleotide variant.
Coding change: c.1967C>T on transcript NM_003036.4 (MANE Select); coding-DNA position 1967, C replaced by T.
Protein change: p.Ala656Val; replaces alanine 656 with valine.
Molecular consequence: missense variant.
Genome position (GRCh38, 1-based): chr1:2,306,219, C>T. VCF-style: chr1-2306219-C-T. GRCh37 (hg19) VCF-style: chr1-2237658-C-T.
Other names: short protein forms A656V.
Identifiers: ClinVar variation 463402 (VCV000463402.10), dbSNP rs571976990, ClinGen allele CA536840.

ClinVar aggregate classification (germline): Conflicting classifications of pathogenicity. Review status: criteria provided, conflicting classifications (1 of 4 stars). 2 submissions from 2 submitters: Uncertain significance (1); Likely benign (1). Last evaluated 2025-10-27.

Conditions:
Familial thoracic aortic aneurysm and aortic dissection (TAAD). Also called: Thoracic aortic aneurysms and dissections. Identifiers: Orphanet 91387, MedGen C4707243, MONDO:0019625.
Shprintzen-Goldberg syndrome (SGS). Also called: CRANIOSYNOSTOSIS WITH ARACHNODACTYLY AND ABDOMINAL HERNIAS; Marfanoid disorder with craniosynostosis type 1; Marfanoid craniosynostosis syndrome; Shprintzen-Goldberg marfanoid syndrome; SHPRINTZEN-GOLDBERG CRANIOSYNOSTOSIS SYNDROME. Identifiers: Orphanet 2462, MedGen C1321551, MONDO:0008426, OMIM 182212.

Allele frequency attached by ClinVar (database versions not stated): TOPMed 0.00002; 1000 Genomes Project 0.00020; ExAC below 0.00001; gnomAD 0.00002; 1000 Genomes Project 30x 0.00016.
gnomAD v4.1: 16 of 1,565,490 alleles (0.001%); highest among the groups gnomAD compares: African/African-American, 0.0068%; no homozygotes.

Submissions (2):

Ambry Genetics
Classification: Uncertain significance for Familial thoracic aortic aneurysm and aortic dissection. Last evaluated: 2025-10-27. Review status: criteria provided, single submitter. Criteria: Ambry Variant Classification Scheme 2023. Collection method: clinical testing. Allele origin: germline.
Comment: The p.A656V variant (also known as c.1967C>T), located in coding exon 6 of the SKI gene, results from a C to T substitution at nucleotide position 1967. The alanine at codon 656 is replaced by valine, an amino acid with similar properties. This amino acid position is highly conserved in available vertebrate species. In addition, the in silico prediction for this alteration is inconclusive. Based on the available evidence, the clinical significance of this variant remains unclear.

Labcorp Genetics (formerly Invitae), Labcorp
Classification: Likely benign for Shprintzen-Goldberg syndrome. Last evaluated: 2025-04-11. Review status: criteria provided, single submitter. Criteria: Invitae Variant Classification Sherloc (09022015). Collection method: clinical testing. Allele origin: germline.